The following is an entry in ClinVar:

ClinVar aggregate classification (germline): Pathogenic (1 of 4 stars; one submission).

Conditions:
Isolated microphthalmia 6. Also called: MICROPHTHALMIA, POSTERIOR NONSYNDROMIC. Identifiers: Orphanet 2542, MedGen C3150757, MONDO:0013293, OMIM 613517.

Submission:

Labcorp Genetics (formerly Invitae), Labcorp
Classification: Pathogenic for Isolated microphthalmia 6. Last evaluated: 2023-06-13. Review status: criteria provided, single submitter. Criteria: Invitae Variant Classification Sherloc (09022015). Collection method: clinical testing. Allele origin: germline.
Comment: For these reasons, this variant has been classified as Pathogenic. Algorithms developed to predict the effect of sequence changes on RNA splicing suggest that this variant may create or strengthen a splice site. This variant has not been reported in the literature in individuals affected with PRSS56-related conditions. This variant is not present in population databases (gnomAD no frequency). This sequence change creates a premature translational stop signal (p.Arg300*) in the PRSS56 gene. It is expected to result in an absent or disrupted protein product. Loss-of-function variants in PRSS56 are known to be pathogenic (PMID: 31266062, 31992737).

Literature cited by the submitters: PubMed 31266062; PubMed 31992737.

NM_001195129.2(PRSS56):c.896dup (p.Pro299_Arg300insTer)

Gene: PRSS56 (serine protease 56; plus strand). Cytogenetic location: 2q37.1.
Variant type: Duplication.
Coding change: c.896dup on transcript NM_001195129.2 (MANE Select); coding-DNA position 896, one base duplicated (C; older notation c.896dupC).
Protein change: p.Pro299_Arg300insTer.
Molecular consequence: frameshift variant.
Genome position (GRCh38, 1-based): chr2:232,523,462, C duplicated; the last of 3 consecutive C bases (chr2:232,523,460-232,523,462); duplicating any one gives the same sequence. VCF-style (leftmost placement, unchanged base first): chr2-232523459-G-GC. GRCh37 (hg19) VCF-style: chr2-233388169-G-GC.
Other names: c.896dup, p.Pro299_Arg300insTer (NM_001369848.1).
Identifiers: ClinVar variation 2855573 (VCV002855573.3), dbSNP rs2469701504, ClinGen allele CA2535204260.